The following is an entry in ClinVar:

NM_000363.5(TNNI3):c.621G>C (p.Lys207Asn)

Gene: TNNI3 (troponin I3, cardiac type; minus strand). Cytogenetic location: 19q13.42.
Variant type: single nucleotide variant.
Coding change: c.621G>C on transcript NM_000363.5 (MANE Select); coding-DNA position 621, G replaced by C.
Protein change: p.Lys207Asn; replaces lysine 207 with asparagine.
Molecular consequence: missense variant.
Genome position (GRCh38, 1-based): chr19:55,151,846, C>G on the plus strand (G>C on the coding strand, the complement: TNNI3 is on the minus strand). VCF-style: chr19-55151846-C-G. GRCh37 (hg19) VCF-style: chr19-55663214-C-G.
Other names: short protein forms K207N.
Identifiers: ClinVar variation 953466 (VCV000953466.9), dbSNP rs2085696421, ClinGen allele CA407439426.

ClinVar aggregate classification (germline): Uncertain significance (1 of 4 stars; one submission).

Conditions:
Hypertrophic cardiomyopathy. Also called: HYPERTROPHIC MYOCARDIOPATHY. Identifiers: Orphanet 217569, MedGen C0007194, MeSH D002312, MONDO:0005045, HP:0001639.

Submission:

Labcorp Genetics (formerly Invitae), Labcorp
Classification: Uncertain significance for Hypertrophic cardiomyopathy. Last evaluated: 2019-09-12. Review status: criteria provided, single submitter. Criteria: Invitae Variant Classification Sherloc (09022015). Collection method: clinical testing. Allele origin: germline.
Comment: Algorithms developed to predict the effect of missense changes on protein structure and function are either unavailable or do not agree on the potential impact of this missense change (SIFT: "Deleterious"; PolyPhen-2: "Probably Damaging"; Align-GVGD: "Class C0"). In summary, the available evidence is currently insufficient to determine the role of this variant in disease. Therefore, it has been classified as a Variant of Uncertain Significance. This variant has not been reported in the literature in individuals with TNNI3-related conditions. This variant is not present in population databases (ExAC no frequency). This sequence change replaces lysine with asparagine at codon 207 of the TNNI3 protein (p.Lys207Asn). The lysine residue is highly conserved and there is a moderate physicochemical difference between lysine and asparagine.